The following is an entry in ClinVar:

ClinVar aggregate classification (germline): Uncertain significance (1 of 4 stars; one submission).

Allele frequency attached by ClinVar (database versions not stated): gnomAD exomes 0.00001; ExAC 0.00002; TOPMed 0.00003; gnomAD 0.00004 and 0.00005.
gnomAD v4.1: 7 of 1,614,120 alleles (0.00043%); highest among the groups gnomAD compares: African/African-American, 0.0093%; no homozygotes.

Submission:

GeneDx
Classification: Uncertain significance. Last evaluated: 2019-10-15. Review status: criteria provided, single submitter. Criteria: GeneDx Variant Classification Process June 2021. Collection method: clinical testing. Allele origin: germline. Affected: yes.
Comment: Not observed at a significant frequency in large population cohorts (Lek et al., 2016); In silico analysis, which includes protein predictors and evolutionary conservation, supports that this variant does not alter protein structure/function; Has not been previously published as pathogenic or benign to our knowledge

NM_022095.4(ZNF335):c.3757C>G (p.Gln1253Glu)

Gene: ZNF335 (zinc finger protein 335; minus strand). Cytogenetic location: 20q13.12.
Variant type: single nucleotide variant.
Coding change: c.3757C>G on transcript NM_022095.4 (MANE Select); coding-DNA position 3757, C replaced by G.
Protein change: p.Gln1253Glu; replaces glutamine 1253 with glutamic acid.
Molecular consequence: missense variant.
Genome position (GRCh38, 1-based): chr20:45,949,395, G>C on the plus strand (C>G on the coding strand, the complement: ZNF335 is on the minus strand). VCF-style: chr20-45949395-G-C. GRCh37 (hg19) VCF-style: chr20-44578034-G-C.
Other names: short protein forms Q1253E.
Identifiers: ClinVar variation 1309123 (VCV001309123.2), dbSNP rs760353441, ClinGen allele CA9884856.